The following is an entry in ClinVar:

ClinVar aggregate classification (germline): Uncertain significance (1 of 4 stars; one submission).

gnomAD v4.1: 30 of 1,614,184 alleles (0.0019%); highest among the groups gnomAD compares: Non-Finnish European, 0.0021%; no homozygotes.

Submission:

Women's Health and Genetics/Laboratory Corporation of America, LabCorp
Classification: Uncertain significance. Last evaluated: 2025-09-02. Review status: criteria provided, single submitter. Criteria: LabCorp Variant Classification Summary - May 2015. Collection method: clinical testing. Allele origin: germline.
Comment: Variant summary: ZNF423 c.185A>C (p.Glu62Ala) results in a non-conservative amino acid change in the encoded protein sequence. Algorithms developed to predict the effect of missense changes on protein structure and function are either unavailable or do not agree on the potential impact of this missense change. The variant allele was found at a frequency of 4e-06 in 251492 control chromosomes. The available data on variant occurrences in the general population are insufficient to allow any conclusion about variant significance. To our knowledge, no occurrence of c.185A>C in individuals affected with ZNF423-related conditions and no experimental evidence demonstrating its impact on protein function have been reported. No submitters have cited clinical-significance assessments for this variant to ClinVar. Based on the evidence outlined above, the variant was classified as uncertain significance.

NM_001379286.1(ZNF423):c.209A>C (p.Glu70Ala)

Gene: ZNF423 (zinc finger protein 423; minus strand). Cytogenetic location: 16q12.1.
Variant type: single nucleotide variant.
Coding change: c.209A>C on transcript NM_001379286.1 (MANE Select); coding-DNA position 209, A replaced by C.
Protein change: p.Glu70Ala; replaces glutamic acid 70 with alanine.
Molecular consequence: missense variant.
Genome position (GRCh38, 1-based): chr16:49,730,863, T>G on the plus strand (A>C on the coding strand, the complement: ZNF423 is on the minus strand). VCF-style: chr16-49730863-T-G. GRCh37 (hg19) VCF-style: chr16-49764774-T-G.
Other names: c.5A>C, p.Glu2Ala (NM_001271620.2); c.185A>C, p.Glu62Ala (NM_015069.5); short protein forms E2A, E62A, E70A.
Identifiers: ClinVar variation 4535926 (VCV004535926.1).
Genomic context (GRCh38, chr16:49,730,863, plus strand): 5'-AGGTCTGCCAGAGACTCGAAGTCCTGCTGACAGTGATCGCAGGTGTAAATTGATTCATCC[T>G]CCATGTCTTCATCATCCTCATTTCTCTCCTCTTGACTTGTCACGCTGTTCCTGTCTTCCA-3'
Protein context (NP_001366215.1, residues 60-80): EERNEDDEDM[Glu70Ala]DESIYTCDHC